The following is an entry in ClinVar:

ClinVar aggregate classification (germline): Pathogenic/Likely pathogenic. Review status: criteria provided, multiple submitters, no conflicts (2 of 4 stars). 8 submissions from 8 submitters: Pathogenic (3); Likely pathogenic (5). Last evaluated 2026-06-12.

Conditions:
Joubert syndrome 9 (JBTS9). Identifiers: Orphanet 2318, MedGen C2676788, MONDO:0012849, OMIM 612285.
COACH syndrome 2. Identifiers: MedGen C5436837, MONDO:0030859, OMIM 619111.
Meckel syndrome, type 6. Identifiers: Orphanet 564, MedGen C2676790, MONDO:0012848, OMIM 612284.
Retinitis pigmentosa 93. Identifiers: MedGen C5676970, MONDO:0030797, OMIM 619845.
Joubert syndrome. Also called: Familial aplasia of the vermis; JOUBERT-BOLTSHAUSER SYNDROME. Identifiers: Orphanet 475, MedGen C5979921, MONDO:0018772.
Meckel-Gruber syndrome. Also called: Dysencephalia splachnocystica; DYSENCEPHALIA SPLANCHNOCYSTICA; GRUBER SYNDROME. Identifiers: Orphanet 564, MedGen C0265215, MONDO:0018921.
Joubert syndrome and related disorders. Identifiers: Orphanet 140874, MedGen C5679612, MONDO:0015369.

Allele frequency attached by ClinVar (database versions not stated): gnomAD 0.00002; TOPMed 0.00002.
gnomAD v4.1: 36 of 1,613,816 alleles (0.0022%); highest among the groups gnomAD compares: Non-Finnish European, 0.0031%; no homozygotes.

Submissions (8):

Myriad Genetics, Inc.
Classification: Likely pathogenic for Joubert syndrome and related disorders. Last evaluated: 2026-06-12. Review status: criteria provided, single submitter. Criteria: Myriad Autosomal Dominant, Autosomal Recessive and X-Linked Classification Criteria (2023). Collection method: clinical testing. Allele origin: unknown.
Comment: NM_001080522.2(CC2D2A):c.3850C>T(R1284C) is a missense variant classified as likely pathogenic in the context of CC2D2A-related disorders. R1284C has been observed in cases with relevant disease (PMID: 38984718, 34645488, 38666931, 22241855). Relevant functional assessments of this variant are not available in the literature. R1284C has been observed in referenced population frequency databases. In summary, NM_001080522.2(CC2D2A):c.3850C>T(R1284C) is a missense variant that has been observed more frequently in cases with the relevant disease than in healthy populations. Please note: this variant was assessed in the context of healthy population screening.

Labcorp Genetics (formerly Invitae), Labcorp
Classification: Pathogenic for Joubert syndrome; Meckel-Gruber syndrome. Last evaluated: 2025-08-25. Review status: criteria provided, single submitter. Criteria: Invitae Variant Classification Sherloc (09022015). Collection method: clinical testing. Allele origin: germline.
Comment: This sequence change replaces arginine, which is basic and polar, with cysteine, which is neutral and slightly polar, at codon 1284 of the CC2D2A protein (p.Arg1284Cys). This variant is present in population databases (rs779823379, gnomAD 0.002%). This missense change has been observed in individual(s) with Joubert syndrome and related disorders (PMID: 22241855, 26092869, 27894351, 34645488). ClinVar contains an entry for this variant (Variation ID: 217597). Invitae Evidence Modeling of protein sequence and biophysical properties (such as structural, functional, and spatial information, amino acid conservation, physicochemical variation, residue mobility, and thermodynamic stability) indicates that this missense variant is expected to disrupt CC2D2A protein function with a positive predictive value of 95%. Algorithms developed to predict the effect of sequence changes on RNA splicing suggest that this variant may disrupt the consensus splice site. This variant disrupts the p.Arg1284 amino acid residue in CC2D2A. Other variant(s) that disrupt this residue have been observed in individuals with CC2D2A-related conditions (PMID: 22241855), which suggests that this may be a clinically significant amino acid residue. For these reasons, this variant has been classified as Pathogenic.

GeneDx
Classification: Likely pathogenic. Last evaluated: 2025-03-14. Review status: criteria provided, single submitter. Criteria: GeneDx Variant Classification Process June 2021. Collection method: clinical testing. Allele origin: germline. Affected: yes.
Comment: Not observed at significant frequency in large population cohorts (gnomAD); In silico analysis supports that this missense variant has a deleterious effect on protein structure/function; This variant is associated with the following publications: (PMID: 31589614, 31130284, 34645488, 31964843, 27894351, 38666931, 38984718, 22241855)

Fulgent Genetics
Classification: Likely pathogenic for Meckel syndrome, type 6; Joubert syndrome 9; COACH syndrome 2; Retinitis pigmentosa 93. Last evaluated: 2024-04-12. Review status: criteria provided, single submitter. Criteria: ACMG Guidelines, 2015. Collection method: clinical testing. Allele origin: germline.

Genomic Medicine Center of Excellence, King Faisal Specialist Hospital and Research Centre
Classification: Pathogenic for Joubert syndrome 9. Last evaluated: 2024-03-17. Review status: criteria provided, single submitter. Criteria: ACMG Guidelines, 2015. Collection method: research. Allele origin: germline.

UW Hindbrain Malformation Research Program, University of Washington
Classification: Pathogenic for Joubert syndrome 9. Last evaluated: 2015-02-23. Review status: criteria provided, single submitter. Criteria: Bachmann-Gagescu et al. (J Med Genet. 2015). Collection method: research. Allele origin: unknown. Affected: yes.

Juno Genomics, Hangzhou Juno Genomics, Inc
Classification: Likely pathogenic for COACH syndrome 2; Joubert syndrome 9; Meckel syndrome, type 6; Retinitis pigmentosa 93. Review status: criteria provided, single submitter. Criteria: ACMG Guidelines, 2015. Collection method: clinical testing. Allele origin: germline.
Comment: Absent from controls (or at extremely low frequency if recessive) in Genome Aggregation Database.;Multiple lines of computational evidence support a deleterious effect on the gene or gene product.;For recessive disorders, detected in trans with a pathogenic variant.;Patient's phenotype or family history is highly specific for a disease with a single genetic etiology.

Pathology and Clinical Laboratory Medicine, King Fahad Medical City
Classification: Likely pathogenic for Meckel syndrome, type 6. Review status: criteria provided, single submitter. Criteria: ACMG Guidelines, 2015. Collection method: clinical testing. Allele origin: germline. Affected: yes. Observed: 3 variant alleles.

Literature cited by the submitters: PubMed 22241855 (cited by Myriad Genetics, Inc. and Labcorp Genetics (formerly Invitae), Labcorp); PubMed 34645488 (cited by Myriad Genetics, Inc. and Labcorp Genetics (formerly Invitae), Labcorp); PubMed 38666931 (cited by Myriad Genetics, Inc.); PubMed 38984718 (cited by Myriad Genetics, Inc.); PubMed 26092869 (cited by Labcorp Genetics (formerly Invitae), Labcorp); PubMed 27894351 (cited by Labcorp Genetics (formerly Invitae), Labcorp).

NM_001378615.1(CC2D2A):c.3850C>T (p.Arg1284Cys)

Genes: CC2D2A (coiled-coil and C2 domain containing 2A; plus strand), FBXL5 (F-box and leucine rich repeat protein 5; minus strand). Cytogenetic location: 4p15.32.
Variant type: single nucleotide variant.
Coding change: c.3850C>T on transcript NM_001378615.1 (MANE Select); coding-DNA position 3850, C replaced by T.
Protein change: p.Arg1284Cys; replaces arginine 1284 with cysteine.
Molecular consequence: missense variant.
Genome position (GRCh38, 1-based): chr4:15,580,046, C>T. VCF-style: chr4-15580046-C-T. GRCh37 (hg19) VCF-style: chr4-15581669-C-T.
Other names: c.3850C>T, p.Arg1284Cys (NM_001080522.2); c.3703C>T, p.Arg1235Cys (NM_001378617.1); short protein forms R1284C, R1235C.
Identifiers: ClinVar variation 217597 (VCV000217597.16), dbSNP rs779823379, ClinGen allele CA210258.